The following is an entry in ClinVar:

ClinVar aggregate classification (germline): Uncertain significance (1 of 4 stars; one submission).

gnomAD v4.1: 1 of 1,606,136 alleles (0.000062%); highest among the groups gnomAD compares: Non-Finnish European, 0.000085%; no homozygotes.

Submission:

Labcorp Genetics (formerly Invitae), Labcorp
Classification: Uncertain significance. Last evaluated: 2024-07-30. Review status: criteria provided, single submitter. Criteria: Invitae Variant Classification Sherloc (09022015). Collection method: clinical testing. Allele origin: germline.
Comment: This sequence change affects a donor splice site in intron 12 of the ALPK1 gene. It is expected to disrupt RNA splicing. Variants that disrupt the donor or acceptor splice site typically lead to a loss of protein function (PMID: 16199547), however the current clinical and genetic evidence is not sufficient to establish whether loss-of-function variants in ALPK1 cause disease. This variant is not present in population databases (gnomAD no frequency). This variant has not been reported in the literature in individuals affected with ALPK1-related conditions. Algorithms developed to predict the effect of sequence changes on RNA splicing suggest that this variant may disrupt the consensus splice site. In summary, the available evidence is currently insufficient to determine the role of this variant in disease. Therefore, it has been classified as a Variant of Uncertain Significance.

Literature cited by the submitters: PubMed 16199547.

NM_025144.4(ALPK1):c.3188+1G>A

Gene: ALPK1 (alpha kinase 1; plus strand). Cytogenetic location: 4q25.
Variant type: single nucleotide variant.
Coding change: c.3188+1G>A on transcript NM_025144.4 (MANE Select); the canonical splice donor site of the intron after coding-DNA position 3188, G replaced by A.
Molecular consequence: splice donor variant.
Genome position (GRCh38, 1-based): chr4:112,435,302, G>A. VCF-style: chr4-112435302-G-A. GRCh37 (hg19) VCF-style: chr4-113356458-G-A.
Other names: c.3188+1G>A (NM_001102406.2); c.2954+1G>A (NM_001253884.2).
Identifiers: ClinVar variation 3660847 (VCV003660847.2).